The following is an entry in ClinVar:

NM_004369.4(COL6A3):c.2958C>G (p.Ile986Met)

Gene: COL6A3 (collagen type VI alpha 3 chain; minus strand). Cytogenetic location: 2q37.3.
Variant type: single nucleotide variant.
Coding change: c.2958C>G on transcript NM_004369.4 (MANE Select); coding-DNA position 2958, C replaced by G.
Protein change: p.Ile986Met; replaces isoleucine 986 with methionine.
Molecular consequence: missense variant.
Genome position (GRCh38, 1-based): chr2:237,376,884, G>C on the plus strand (C>G on the coding strand, the complement: COL6A3 is on the minus strand). VCF-style: chr2-237376884-G-C. GRCh37 (hg19) VCF-style: chr2-238285527-G-C.
Other names: c.1737C>G, p.Ile579Met (NM_057164.5); c.2340C>G, p.Ile780Met (NM_057165.5, NM_057167.4); c.1137C>G, p.Ile379Met (NM_057166.5); short protein forms I986M, I379M, I780M, I579M.
Identifiers: ClinVar variation 476514 (VCV000476514.12), dbSNP rs145203676, ClinGen allele CA351207459.

ClinVar aggregate classification (germline): Uncertain significance. Review status: criteria provided, multiple submitters, no conflicts (2 of 4 stars). 2 submissions from 2 submitters: Uncertain significance (2). Last evaluated 2022-03-09.

Conditions:
Bethlem myopathy 1A. Also called: Bethlem Muscular Dystrophy; Bethlem myopathy 1; MYOPATHY, BENIGN CONGENITAL, WITH CONTRACTURES. Identifiers: Orphanet 610, MedGen CN029274, MONDO:0024530, OMIM 158810.

gnomAD v4.1: 1 of 1,614,180 alleles (0.000062%); highest among the groups gnomAD compares: Admixed American, 0.0017%; no homozygotes.

Submissions (2):

Labcorp Genetics (formerly Invitae), Labcorp
Classification: Uncertain significance for Bethlem myopathy 1A. Last evaluated: 2022-03-09. Review status: criteria provided, single submitter. Criteria: Invitae Variant Classification Sherloc (09022015). Collection method: clinical testing. Allele origin: germline.
Comment: Advanced modeling of protein sequence and biophysical properties (such as structural, functional, and spatial information, amino acid conservation, physicochemical variation, residue mobility, and thermodynamic stability) performed at Invitae indicates that this missense variant is not expected to disrupt COL6A3 protein function. ClinVar contains an entry for this variant (Variation ID: 476514). This variant has not been reported in the literature in individuals affected with COL6A3-related conditions. This variant is not present in population databases (gnomAD no frequency). This sequence change replaces isoleucine, which is neutral and non-polar, with methionine, which is neutral and non-polar, at codon 986 of the COL6A3 protein (p.Ile986Met). In summary, the available evidence is currently insufficient to determine the role of this variant in disease. Therefore, it has been classified as a Variant of Uncertain Significance.

Blueprint Genetics
Classification: Uncertain significance. Last evaluated: 2018-09-27. Review status: criteria provided, single submitter. Criteria: ACMG Guidelines, 2015. Collection method: clinical testing. Allele origin: germline.